The following is an entry in ClinVar:

NM_015102.5(NPHP4):c.1060T>C (p.Phe354Leu)

Gene: NPHP4 (nephrocystin 4; minus strand). Cytogenetic location: 1p36.31.
Variant type: single nucleotide variant.
Coding change: c.1060T>C on transcript NM_015102.5 (MANE Select); coding-DNA position 1060, T replaced by C.
Protein change: p.Phe354Leu; replaces phenylalanine 354 with leucine.
Molecular consequence: missense variant. On other transcripts: 5 prime UTR variant (2), non-coding transcript variant (1).
Genome position (GRCh38, 1-based): chr1:5,947,163, A>G on the plus strand (T>C on the coding strand, the complement: NPHP4 is on the minus strand). VCF-style: chr1-5947163-A-G. GRCh37 (hg19) VCF-style: chr1-6007223-A-G.
Other names: c.-307T>C (NM_001291593.2, NM_001291594.2); short protein forms F354L.
Identifiers: ClinVar variation 2663158 (VCV002663158.2), dbSNP rs2523105206, ClinGen allele CA338064044.

ClinVar aggregate classification (germline): Uncertain significance (1 of 4 stars; one submission).

Submission:

GeneDx
Classification: Uncertain significance. Last evaluated: 2024-09-23. Review status: criteria provided, single submitter. Criteria: GeneDx Variant Classification Process June 2021. Collection method: clinical testing. Allele origin: germline.
Comment: Not observed at significant frequency in large population cohorts (gnomAD); In silico analysis supports that this missense variant has a deleterious effect on protein structure/function; Has not been previously published as pathogenic or benign to our knowledge